The following is an entry in ClinVar:

NM_016734.3(PAX5):c.43A>G (p.Thr15Ala)

Gene: PAX5 (paired box 5; minus strand). Cytogenetic location: 9p13.2.
Variant type: single nucleotide variant.
Coding change: c.43A>G on transcript NM_016734.3 (MANE Select); coding-DNA position 43, A replaced by G.
Protein change: p.Thr15Ala; replaces threonine 15 with alanine.
Molecular consequence: missense variant. On other transcripts: 5 prime UTR variant (2), non-coding transcript variant (2).
Genome position (GRCh38, 1-based): chr9:37,033,989, T>C on the plus strand (A>G on the coding strand, the complement: PAX5 is on the minus strand). VCF-style: chr9-37033989-T-C. GRCh37 (hg19) VCF-style: chr9-37033986-T-C.
Other names: c.43A>G, p.Thr15Ala (NM_001280547.2, NM_001280548.2, NM_001280549.2 and 5 more transcripts); c.-116A>G (NM_001280551.2, NM_001280556.2); short protein forms T15A.
Identifiers: ClinVar variation 3885958 (VCV003885958.1).

ClinVar aggregate classification (germline): Uncertain significance (1 of 4 stars; one submission).

Conditions:
Inborn genetic diseases. Identifiers: MedGen C0950123, MeSH D030342.

gnomAD v4.1: 4 of 1,611,500 alleles (0.00025%); highest among the groups gnomAD compares: Non-Finnish European, 0.00025%; no homozygotes.

Submission:

Ambry Genetics
Classification: Uncertain significance for Inborn genetic diseases. Last evaluated: 2025-02-17. Review status: criteria provided, single submitter. Criteria: Ambry Variant Classification Scheme 2023. Collection method: clinical testing. Allele origin: germline.
Comment: The p.T15A variant (also known as c.43A>G), located in coding exon 1 of the PAX5 gene, results from an A to G substitution at nucleotide position 43. The threonine at codon 15 is replaced by alanine, an amino acid with similar properties. This amino acid position is conserved. In addition, the in silico prediction for this alteration is inconclusive. Based on the available evidence, the clinical significance of this variant remains unclear.